The following is an entry in ClinVar:

ClinVar aggregate classification (germline): Likely benign (1 of 4 stars; one submission).

Conditions:
Familial cancer of breast. Also called: Hereditary breast cancer; hereditary breast carcinoma; BREAST CANCER, FAMILIAL. Identifiers: Orphanet 227535, MedGen C0346153, MONDO:0016419, OMIM 114480. Disease mechanism: loss of function.

Submission:

Myriad Genetics, Inc.
Classification: Likely benign for Familial cancer of breast. Last evaluated: 2025-01-10. Review status: criteria provided, single submitter. Criteria: Myriad Autosomal Dominant, Autosomal Recessive and X-Linked Classification Criteria (2023). Collection method: clinical testing. Allele origin: unknown.
Comment: This variant is considered likely benign. This variant is intronic and is not expected to impact mRNA splicing.

NM_024675.4(PALB2):c.212-15T>G

Gene: PALB2 (partner and localizer of BRCA2; minus strand). Cytogenetic location: 16p12.2.
Variant type: single nucleotide variant.
Coding change: c.212-15T>G on transcript NM_024675.4 (MANE Select); 15 bases into the intron before coding-DNA position 212, T replaced by G.
Molecular consequence: intron variant.
Genome position (GRCh38, 1-based): chr16:23,636,349, A>C on the plus strand (T>G on the coding strand, the complement: PALB2 is on the minus strand). VCF-style: chr16-23636349-A-C. GRCh37 (hg19) VCF-style: chr16-23647670-A-C.
Other names: c.-674-15T>G (NM_001407308.1, NM_001407306.1, NM_001407307.1 and 5 more transcripts); c.48+4761T>G (NM_001407314.1); c.-105+4761T>G (NM_001407313.1, NM_001407312.1); c.152-15T>G (NM_001407296.1); c.212-15T>G (NM_001407297.1, NM_001407302.1, NM_001407298.1 and 3 more transcripts).
Identifiers: ClinVar variation 3904098 (VCV003904098.1).
Genomic context (GRCh38, chr16:23,636,349, plus strand): 5'-GTTTTGATGTGTAACTTGTCATAAACACATATTTTATTTTTAGGTTCTGAGGAGGAAAAA[A>C]ATGTATATAACTTATATTTTTCTTATAAAATAAAACAAAAAATACTCATTTTTAACCTAT-3'